The following is an entry in ClinVar:

NM_004517.4(ILK):c.449-3T>C

Genes: ILK (integrin linked kinase; plus strand), TAF10 (TATA-box binding protein associated factor 10; minus strand). Cytogenetic location: 11p15.4.
Variant type: single nucleotide variant.
Coding change: c.449-3T>C on transcript NM_004517.4 (MANE Select); 3 bases into the intron before coding-DNA position 449, T replaced by C.
Molecular consequence: intron variant. On other transcripts: 3 prime UTR variant (1).
Genome position (GRCh38, 1-based): chr11:6,608,881, T>C. VCF-style: chr11-6608881-T-C. GRCh37 (hg19) VCF-style: chr11-6630112-T-C.
Other names: c.*2041A>G (NM_006284.4); c.449-3T>C (NM_001014795.3, NM_001014794.3); c.352-3T>C (NM_001278441.2); c.47-3T>C (NM_001278442.2).
Identifiers: ClinVar variation 2020667 (VCV002020667.4), dbSNP rs1855206289, ClinGen allele CA379459424.
Genomic context (GRCh38, chr11:6,608,881, plus strand): 5'-TCTCGTCCCTTCCCACCTGTCTTCTCCCTCTGTACCACAGCTTAGGTTGTTTTTCTTCCC[T>C]AGAGCGGGCAGAGAAGATGGGCCAGAATCTCAACCGTATTCCATACAAGGACACATTCTG-3'

ClinVar aggregate classification (germline): Uncertain significance (1 of 4 stars; one submission).

Conditions:
Primary familial hypertrophic cardiomyopathy (HCM). Identifiers: Orphanet 99739, MedGen C0949658, MeSH D024741, MONDO:0024573. Inheritance: Various modes of inheritance.

Submission:

Labcorp Genetics (formerly Invitae), Labcorp
Classification: Uncertain significance for Primary familial hypertrophic cardiomyopathy. Last evaluated: 2024-10-02. Review status: criteria provided, single submitter. Criteria: Invitae Variant Classification Sherloc (09022015). Collection method: clinical testing. Allele origin: germline.
Comment: This sequence change falls in intron 5 of the ILK gene. It does not directly change the encoded amino acid sequence of the ILK protein. It affects a nucleotide within the consensus splice site. This variant is not present in population databases (gnomAD no frequency). This variant has not been reported in the literature in individuals affected with ILK-related conditions. ClinVar contains an entry for this variant (Variation ID: 2020667). Variants that disrupt the consensus splice site are a relatively common cause of aberrant splicing (PMID: 17576681, 9536098). Algorithms developed to predict the effect of sequence changes on RNA splicing suggest that this variant is not likely to affect RNA splicing. In summary, the available evidence is currently insufficient to determine the role of this variant in disease. Therefore, it has been classified as a Variant of Uncertain Significance.

Literature cited by the submitters: PubMed 17576681; PubMed 9536098.